The following is an entry in ClinVar:

NM_018474.6(KIZ):c.405+9_405+13del

Gene: KIZ (kizuna centrosomal protein; plus strand). Cytogenetic location: 20p11.23.
Variant type: Deletion.
Coding change: c.405+9_405+13del on transcript NM_018474.6 (MANE Select); bases 9 to 13 of the intron after coding-DNA position 405, 5 bases deleted (CTAAA; older notation c.405+9_405+13delCTAAA).
Molecular consequence: intron variant.
Genome position (GRCh38, 1-based): chr20:21,145,663-21,145,667, CTAAA deleted; deleting any 5 consecutive bases within chr20:21,145,659-21,145,667 gives the same sequence; the c. name uses the placement nearest the transcript's 3' end. VCF-style (leftmost placement, unchanged base first): chr20-21145658-ATAAAC-A. GRCh37 (hg19) VCF-style: chr20-21126299-ATAAAC-A.
Other names: c.405+9_405+13del5 (NM_018474.5); c.258+9_258+13del (NM_001276389.2); c.63+9_63+13del (NM_001352436.2); c.405+9_405+13del (NM_001352434.2); c.96+9_96+13del (NM_001163022.3, NM_001352435.2); c.6+13504_6+13508del (NM_001163023.3).
Identifiers: ClinVar variation 4944539 (VCV004944539.2).

ClinVar aggregate classification (germline): Conflicting classifications of pathogenicity. Review status: criteria provided, conflicting classifications (1 of 4 stars). 2 submissions from 2 submitters: Uncertain significance (1); Likely benign (1). Last evaluated 2025-01-31.

Conditions:
KIZ-related disorder. Also called: KIZ-related condition.

Submissions (2):

PreventionGenetics, part of Exact Sciences
Classification: Likely benign for KIZ-related condition. Last evaluated: 2025-01-31. Review status: criteria provided, single submitter. Criteria: ACMG Guidelines, 2015. Collection method: clinical testing. Allele origin: germline.
Comment: This variant is classified as likely benign based on ACMG/AMP sequence variant interpretation guidelines (Richards et al. 2015 PMID: 25741868, with internal and published modifications).

Blueprint Genetics
Classification: Uncertain significance. Last evaluated: 2022-09-26. Review status: criteria provided, single submitter. Criteria: ACMG Guidelines, 2015. Collection method: clinical testing. Allele origin: germline.